The following is an entry in ClinVar:

NM_001130438.3(SPTAN1):c.3076C>T (p.Pro1026Ser)

Gene: SPTAN1 (spectrin alpha, non-erythrocytic 1; plus strand). Cytogenetic location: 9q34.11.
Variant type: single nucleotide variant.
Coding change: c.3076C>T on transcript NM_001130438.3 (MANE Select); coding-DNA position 3076, C replaced by T.
Protein change: p.Pro1026Ser; replaces proline 1026 with serine.
Molecular consequence: missense variant.
Genome position (GRCh38, 1-based): chr9:128,591,546, C>T. VCF-style: chr9-128591546-C-T. GRCh37 (hg19) VCF-style: chr9-131353825-C-T.
Other names: c.3076C>T, p.Pro1026Ser (NM_001195532.2, NM_001363759.2, NM_001363765.2 and 5 more transcripts); c.3112C>T, p.Pro1038Ser (NM_001375312.2, NM_001375318.1); short protein forms P1026S, P1038S.
Identifiers: ClinVar variation 2804589 (VCV002804589.3), dbSNP rs2541400299, ClinGen allele CA375060335.

ClinVar aggregate classification (germline): Uncertain significance (1 of 4 stars; one submission).

Conditions:
Early-infantile DEE. Also called: Early infantile epileptic encephalopathy; Early infantile epileptic encephalopathy with suppression bursts; Ohtahara syndrome. Identifiers: Orphanet 1934, MedGen C0393706, MONDO:0800491.

Allele frequency attached by ClinVar (database versions not stated): gnomAD exomes below 0.00001.
gnomAD v4.1: 2 of 1,614,132 alleles (0.00012%); highest among the groups gnomAD compares: South Asian, 0.0022%; no homozygotes.

Submission:

Labcorp Genetics (formerly Invitae), Labcorp
Classification: Uncertain significance for Early-infantile DEE. Last evaluated: 2023-03-19. Review status: criteria provided, single submitter. Criteria: Invitae Variant Classification Sherloc (09022015). Collection method: clinical testing. Allele origin: germline.
Comment: Advanced modeling of protein sequence and biophysical properties (such as structural, functional, and spatial information, amino acid conservation, physicochemical variation, residue mobility, and thermodynamic stability) has been performed at Invitae for this missense variant, however the output from this modeling did not meet the statistical confidence thresholds required to predict the impact of this variant on SPTAN1 protein function. In summary, the available evidence is currently insufficient to determine the role of this variant in disease. Therefore, it has been classified as a Variant of Uncertain Significance. This variant has not been reported in the literature in individuals affected with SPTAN1-related conditions. This variant is not present in population databases (gnomAD no frequency). This sequence change replaces proline, which is neutral and non-polar, with serine, which is neutral and polar, at codon 1026 of the SPTAN1 protein (p.Pro1026Ser).